The following is an entry in ClinVar:

NM_152419.3(HGSNAT):c.887C>T (p.Ser296Leu)

Gene: HGSNAT (heparan-alpha-glucosaminide N-acetyltransferase; plus strand). Cytogenetic location: 8p11.21.
Variant type: single nucleotide variant.
Coding change: c.887C>T on transcript NM_152419.3 (MANE Select); coding-DNA position 887, C replaced by T.
Protein change: p.Ser296Leu; replaces serine 296 with leucine.
Molecular consequence: missense variant. On other transcripts: intron variant (1).
Genome position (GRCh38, 1-based): chr8:43,178,109, C>T. VCF-style: chr8-43178109-C-T. GRCh37 (hg19) VCF-style: chr8-43033252-C-T.
Other names: c.887C>T, p.Ser296Leu (NM_001363227.2); c.23C>T, p.Ser8Leu (NM_001363229.2); c.821-4036C>T (NM_001363228.2); short protein forms S296L, S8L.
Identifiers: ClinVar variation 840384 (VCV000840384.15), dbSNP rs372933126, ClinGen allele CA4736679.

ClinVar aggregate classification (germline): Conflicting classifications of pathogenicity. Review status: criteria provided, conflicting classifications (1 of 4 stars). 10 submissions from 10 submitters: Likely pathogenic (1); Uncertain significance (6). 3 of the submissions do not count toward it. Last evaluated 2025-09-22.

Conditions:
HGSNAT-related disorder. Also called: HGSNAT-related condition.
Mucopolysaccharidosis, MPS-III-C (MPS3C). Also called: SANFILIPPO SYNDROME C; mucopolysaccharidosis type 3C; Mucopolysaccharidosis type IIIC (Sanfilippo C); MPS IIIC (Sanfilippo Syndrome Type C); MUCOPOLYSACCHARIDOSIS, TYPE IIIC; MPS III C. Identifiers: Orphanet 581, Orphanet 79271, MedGen C0086649, MONDO:0009657, OMIM 252930.
Retinal dystrophy. Also called: Inherited retinal dystrophy. Identifiers: Orphanet 71862, MedGen C0854723, MeSH D058499, MONDO:0019118, HP:0000556.
Retinitis pigmentosa 73 (RP73). Identifiers: Orphanet 791, MedGen C4225287, MONDO:0014687, OMIM 616544.

Allele frequency attached by ClinVar (database versions not stated): TOPMed 0.00002; ExAC 0.00017; 1000 Genomes Project 0.00020; gnomAD exomes 0.00009 and 0.00013; ESP Exome Variant Server 0.00009; gnomAD 0.00001 and 0.00004; 1000 Genomes Project 30x 0.00016.
gnomAD v4.1: 131 of 1,612,658 alleles (0.0081%); highest among the groups gnomAD compares: South Asian, 0.13%; 1 homozygote.

Submissions (10):

Women's Health and Genetics/Laboratory Corporation of America, LabCorp
Classification: Uncertain significance. Last evaluated: 2025-09-22. Review status: criteria provided, single submitter. Criteria: LabCorp Variant Classification Summary - May 2015. Collection method: clinical testing. Allele origin: germline.
Comment: Variant summary: HGSNAT c.887C>T (p.Ser296Leu) results in a non-conservative amino acid change located in the catalytic domain (IPR012429) of the encoded protein sequence. Algorithms developed to predict the effect of missense changes on protein structure and function all suggest that this variant is likely to be disruptive. The variant allele was found at a frequency of 0.00013 in 248320 control chromosomes. This frequency is not significantly higher than estimated for disease-causing variants in HGSNAT, allowing no conclusion about variant significance. c.887C>T has been observed in individuals affected with nonsyndromic retinopathy or retinitis pigmentosa (e.g., Schiff_2020, Lin_2024, Kiel_2024). These data indicate that the variant may be associated with disease. At least one publication reports experimental evidence evaluating an impact on protein function. The most pronounced variant effect results in >50%-90% of normal activity (e.g. Schiff_2020). The following publications have been ascertained in the context of this evaluation (PMID: 39462066, 38219857, 32770643). ClinVar contains an entry for this variant (Variation ID: 840384). Based on the evidence outlined above, the variant was classified as VUS-possibly pathogenic.

Genomic Medicine Center of Excellence, King Faisal Specialist Hospital and Research Centre
Classification: Uncertain significance for Mucopolysaccharidosis, MPS-III-C. Last evaluated: 2024-12-17. Review status: criteria provided, single submitter. Criteria: ACMG Guidelines, 2015. Collection method: clinical testing. Allele origin: germline.

Labcorp Genetics (formerly Invitae), Labcorp
Classification: Uncertain significance for Retinitis pigmentosa 73; Mucopolysaccharidosis, MPS-III-C. Last evaluated: 2024-11-05. Review status: criteria provided, single submitter. Criteria: Invitae Variant Classification Sherloc (09022015). Collection method: clinical testing. Allele origin: germline.
Comment: This sequence change replaces serine, which is neutral and polar, with leucine, which is neutral and non-polar, at codon 296 of the HGSNAT protein (p.Ser296Leu). This variant is present in population databases (rs372933126, gnomAD 0.1%). This missense change has been observed in individual(s) with retinitis pigmentosa (PMID: 32770643). ClinVar contains an entry for this variant (Variation ID: 840384). Invitae Evidence Modeling of protein sequence and biophysical properties (such as structural, functional, and spatial information, amino acid conservation, physicochemical variation, residue mobility, and thermodynamic stability) indicates that this missense variant is expected to disrupt HGSNAT protein function with a positive predictive value of 80%. In summary, the available evidence is currently insufficient to determine the role of this variant in disease. Therefore, it has been classified as a Variant of Uncertain Significance.

Blueprint Genetics
Classification: Uncertain significance. Last evaluated: 2024-08-04. Review status: criteria provided, single submitter. Criteria: ACMG Guidelines, 2015. Collection method: clinical testing. Allele origin: germline.

Fulgent Genetics
Classification: Uncertain significance for Mucopolysaccharidosis, MPS-III-C; Retinitis pigmentosa 73. Last evaluated: 2024-04-11. Review status: criteria provided, single submitter. Criteria: ACMG Guidelines, 2015. Collection method: clinical testing. Allele origin: germline.

Institute of Human Genetics, Univ. Regensburg, Univ. Regensburg
Classification: Likely pathogenic for Retinal dystrophy. Last evaluated: 2023-01-01. Review status: criteria provided, single submitter. Criteria: ACMG Guidelines, 2015. Collection method: clinical testing. Allele origin: germline. Affected: yes.

Neuberg Centre For Genomic Medicine, NCGM
Classification: Uncertain significance for Mucopolysaccharidosis, MPS-III-C. Review status: criteria provided, single submitter. Criteria: ACMG Guidelines, 2015. Collection method: clinical testing. Allele origin: germline. Inheritance: Autosomal recessive inheritance. Affected: yes.
Comment: The missense variant c.887C>Tp.Ser296Leu in HGSNAT gene has been reported in homozygous and compound heterozygous state in two individuals with Retinitis Pigmentosa Schiff ER, et al., 2020. The variant is reported with 0.01% allele frequency in gnomAD Exomes and is novel not in any individuals in 1000 Genomes. This variant has been reported to the ClinVar database as Likely Pathogenic/ Uncertain Significance. However, study on multiple affected individuals and functional impact of the variant is not available. The amino acid Serine at position 296 is changed to a Leucine changing protein sequence and it might alter its composition and physico-chemical properties. The variant is predicted to be damaging by SIFT. The amino acid change p.Ser296Leu in HGSNAT is predicted as conserved by GERP++ and PhyloP across 100 vertebrates. For these reasons, this variant has been classified as Uncertain Significance.

PreventionGenetics, part of Exact Sciences
Classification: Uncertain significance for HGSNAT-related condition. Last evaluated: 2023-12-19. Review status: no assertion criteria provided. Collection method: clinical testing. Allele origin: germline. Not counted in ClinVar's aggregate classification.
Comment: The HGSNAT c.887C>T variant is predicted to result in the amino acid substitution p.Ser296Leu. This variant has been reported in two individuals, one homozygous and one stated compound heterozygous, with a late-onset non-syndromic retinopathy. Those two patients with retinopathy had HGSNAT enzyme activity levels in blood leukocytes slightly reduced compared with normal levels but higher than those seen in Mucopolysaccharidosis IIIC patients (Table 1, Schiff et al. 2020. PubMed ID: 32770643). This variant is reported in 0.11% of alleles in individuals of South Asian descent in gnomAD. At this time, the clinical significance of this variant in context of Mucopolysaccharidosis IIIC is uncertain due to the absence of conclusive functional and genetic evidence. Based on the single study mentioned above, this may be a hypomorphic variant (partial loss-of-function) and although we suspect that this variant may be pathogenic for retinal disease, at this time, the clinical significance of this variant is uncertain due to the absence of conclusive functional and genetic evidence.

Inherited Eye Disorders lab, UCL Institute of Ophthalmology
Classification: Likely pathogenic for Retinitis pigmentosa 73. Last evaluated: 2020-07-01. Review status: no assertion criteria provided. Collection method: clinical testing. Allele origin: inherited. Inheritance: Autosomal recessive inheritance. Affected: yes. Not counted in ClinVar's aggregate classification.

Natera, Inc.
Classification: Uncertain significance for Mucopolysaccharidosis type IIIC. Last evaluated: 2020-01-24. Review status: no assertion criteria provided. Collection method: clinical testing. Allele origin: germline. Not counted in ClinVar's aggregate classification.

Literature cited by the submitters: PubMed 32770643 (cited by 3 submitters); PubMed 38219857 (cited by Women's Health and Genetics/Laboratory Corporation of America, LabCorp); PubMed 39462066 (cited by Women's Health and Genetics/Laboratory Corporation of America, LabCorp).